The following is an entry in ClinVar:

NM_020738.4(KIDINS220):c.2420A>G (p.Asp807Gly)

Gene: KIDINS220 (kinase D interacting substrate 220; minus strand). Cytogenetic location: 2p25.1.
Variant type: single nucleotide variant.
Coding change: c.2420A>G on transcript NM_020738.4 (MANE Select); coding-DNA position 2420, A replaced by G.
Protein change: p.Asp807Gly; replaces aspartic acid 807 with glycine.
Molecular consequence: missense variant. On other transcripts: non-coding transcript variant (2).
Genome position (GRCh38, 1-based): chr2:8,779,090, T>C on the plus strand (A>G on the coding strand, the complement: KIDINS220 is on the minus strand). VCF-style: chr2-8779090-T-C. GRCh37 (hg19) VCF-style: chr2-8919220-T-C.
Other names: c.2423A>G, p.Asp808Gly (NM_001348729.2, NM_001348731.2, NM_001348734.2 and 3 more transcripts); c.2420A>G, p.Asp807Gly (NM_001348732.2, NM_001348735.2, NM_001348738.2 and 3 more transcripts); c.2294A>G, p.Asp765Gly (NM_001348736.2); short protein forms D807G, D808G, D765G.
Identifiers: ClinVar variation 4998093 (VCV004998093.1).
Genomic context (GRCh38, chr2:8,779,090, plus strand): 5'-TTTGAATCCCGAAGCACACTATTGAGGTTCTGGTTAATTGCCTTTATGATAATATGTGGA[T>C]CACTTGCAAAAATGGCAATGAACGGGCCTTTTGAAAACAGAACTCGGACCTGTGGCAGAA-3'
Protein context (NP_065789.1, residues 797-817): KGPFIAIFAS[Asp807Gly]PHIIIKAINQ

ClinVar aggregate classification (germline): Uncertain significance (1 of 4 stars; one submission).

Conditions:
KIDINS220-related disorder. Also called: KIDINS220-related condition.

gnomAD v4.1: 1 of 1,614,022 alleles (0.000062%); highest among the groups gnomAD compares: Non-Finnish European, 0.000085%; no homozygotes.

Submission:

PreventionGenetics, part of Exact Sciences
Classification: Uncertain significance for KIDINS220-related condition. Last evaluated: 2025-06-24. Review status: criteria provided, single submitter. Criteria: ACMG Guidelines, 2015. Collection method: clinical testing. Allele origin: germline.
Comment: The KIDINS220 c.2420A>G variant is predicted to result in the amino acid substitution p.Asp807Gly. To our knowledge, this variant has not been reported in the literature or in a large population database (gnomAD), indicating this variant is rare. At this time, the clinical significance of this variant is uncertain due to the absence of conclusive functional and genetic evidence.